The following is an entry in ClinVar:

ClinVar aggregate classification (germline): Conflicting classifications of pathogenicity. Review status: criteria provided, conflicting classifications (1 of 4 stars). 4 submissions from 4 submitters: Uncertain significance (1); Likely benign (3). Last evaluated 2025-11-03.

Conditions:
Psoriasis 2. Identifiers: MedGen C1864497, MONDO:0011269, OMIM 602723.
Pityriasis rubra pilaris (PRP). Also called: Pityriasis rubra pilaris--familial type. Identifiers: Orphanet 2897, MedGen C0032027, MONDO:0100017, OMIM 173200, MONDO:0008251.
Autoinflammatory syndrome. Identifiers: Orphanet 93665, MedGen C3890737, MONDO:0019751.

Allele frequency attached by ClinVar (database versions not stated): TOPMed 0.00014; ESP Exome Variant Server 0.00023; 1000 Genomes Project 0.00040; 1000 Genomes Project 30x 0.00062.
gnomAD v4.1: 105 of 1,614,130 alleles (0.0065%); highest among the groups gnomAD compares: African/African-American, 0.033%; no homozygotes.

Submissions (4):

Labcorp Genetics (formerly Invitae), Labcorp
Classification: Likely benign for Pityriasis rubra pilaris; Psoriasis 2. Last evaluated: 2025-11-03. Review status: criteria provided, single submitter. Criteria: Invitae Variant Classification Sherloc (09022015). Collection method: clinical testing. Allele origin: germline.

Blueprint Genetics
Classification: Likely benign. Last evaluated: 2024-11-20. Review status: criteria provided, single submitter. Criteria: ACMG Guidelines, 2015. Collection method: clinical testing. Allele origin: germline.

Genome Diagnostics Laboratory, The Hospital for Sick Children
Classification: Uncertain significance for Autoinflammatory syndrome. Last evaluated: 2022-04-29. Review status: criteria provided, single submitter. Criteria: ACMG Guidelines, 2015. Collection method: clinical testing. Allele origin: germline. Affected: yes.

CeGaT Center for Human Genetics Tuebingen
Classification: Likely benign. Last evaluated: 2022-04-01. Review status: criteria provided, single submitter. Criteria: CeGaT Center For Human Genetics Tuebingen Variant Classification Criteria Version 2. Collection method: clinical testing. Allele origin: germline. Affected: yes. Observed: 1 variant allele.
Comment: CARD14: BP4, BP7

NM_001366385.1(CARD14):c.249C>T (p.Asn83=)

Gene: CARD14 (caspase recruitment domain family member 14; plus strand). Cytogenetic location: 17q25.3.
Variant type: single nucleotide variant.
Coding change: c.249C>T on transcript NM_001366385.1 (MANE Select); coding-DNA position 249, C replaced by T.
Protein change: p.Asn83=; no amino-acid change (asparagine 83 retained).
Molecular consequence: synonymous variant. On other transcripts: non-coding transcript variant (1).
Genome position (GRCh38, 1-based): chr17:80,182,690, C>T. VCF-style: chr17-80182690-C-T. GRCh37 (hg19) VCF-style: chr17-78156489-C-T.
Other names: c.249C>T, p.Asn83= (NM_001257970.1, NM_024110.4).
Identifiers: ClinVar variation 1139961 (VCV001139961.37), dbSNP rs148170776, ClinGen allele CA8816374.